The following is an entry in ClinVar:

NM_006761.5(YWHAE):c.290G>A (p.Cys97Tyr)

Gene: YWHAE (tyrosine 3-monooxygenase/tryptophan 5-monooxygenase activation protein epsilon; minus strand). Cytogenetic location: 17p13.3.
Variant type: single nucleotide variant.
Coding change: c.290G>A on transcript NM_006761.5 (MANE Select); coding-DNA position 290, G replaced by A.
Protein change: p.Cys97Tyr; replaces cysteine 97 with tyrosine.
Molecular consequence: missense variant. On other transcripts: non-coding transcript variant (1).
Genome position (GRCh38, 1-based): chr17:1,361,983, C>T on the plus strand (G>A on the coding strand, the complement: YWHAE is on the minus strand). VCF-style: chr17-1361983-C-T. GRCh37 (hg19) VCF-style: chr17-1265277-C-T.
Other names: short protein forms C97Y.
Identifiers: ClinVar variation 4996521 (VCV004996521.1).

ClinVar aggregate classification (germline): Uncertain significance (1 of 4 stars; one submission).

Conditions:
YWHAE-related disorder. Also called: YWHAE-related condition.

Submission:

PreventionGenetics, part of Exact Sciences
Classification: Uncertain significance for YWHAE-related condition. Last evaluated: 2026-04-19. Review status: criteria provided, single submitter. Criteria: ACMG Guidelines, 2015. Collection method: clinical testing. Allele origin: germline.
Comment: The YWHAE c.290G>A variant is predicted to result in the amino acid substitution p.Cys97Tyr. To our knowledge, this variant has not been reported in the literature or in a large population database (gnomAD), indicating this variant is rare. At this time, the clinical significance of this variant is uncertain due to the absence of conclusive functional and genetic evidence.